The following is an entry in ClinVar:

NM_001017995.3(SH3PXD2B):c.*4828T>A

Gene: SH3PXD2B (SH3 and PX domains 2B; minus strand). Cytogenetic location: 5q35.1.
Variant type: single nucleotide variant.
Coding change: c.*4828T>A on transcript NM_001017995.3 (MANE Select); 4828 bases downstream of the stop codon, T replaced by A.
Molecular consequence: 3 prime UTR variant. On other transcripts: intron variant (1).
Genome position (GRCh38, 1-based): chr5:172,333,541, A>T on the plus strand (T>A on the coding strand, the complement: SH3PXD2B is on the minus strand). VCF-style: chr5-172333541-A-T. GRCh37 (hg19) VCF-style: chr5-171760545-A-T.
Other names: NC_000005.9:g.171760545A>T; c.1189-8161T>A (NM_001308175.2).
Identifiers: ClinVar variation 352726 (VCV000352726.6), dbSNP rs1139996, ClinGen allele CA10624108.

ClinVar aggregate classification (germline): Benign (1 of 4 stars; one submission).

Conditions:
Frank-Ter Haar syndrome. Also called: BORRONE DERMATOCARDIOSKELETAL SYNDROME; TER HAAR SYNDROME; MELNICK-NEEDLES SYNDROME, AUTOSOMAL RECESSIVE; Borrone di Rocco Crovato syndrome. Identifiers: Orphanet 1266, Orphanet 137834, MedGen C1855305, MONDO:0009579, OMIM 249420.

Allele frequency attached by ClinVar (database versions not stated): gnomAD 0.14778 and 0.14880; 1000 Genomes Project 0.53035.

Submissions (2):

Illumina Laboratory Services, Illumina
Classification: Benign for Frank-Ter Haar syndrome. Last evaluated: 2018-01-12. Review status: criteria provided, single submitter. Criteria: ICSL Variant Classification Criteria 13 December 2019. Collection method: clinical testing. Allele origin: germline.
Comment: This variant was observed in the ICSL laboratory as part of a predisposition screen in an ostensibly healthy population. It had not been previously curated by ICSL or reported in the Human Gene Mutation Database (HGMD: prior to June 1st, 2018), and was therefore a candidate for classification through an automated scoring system. Utilizing variant allele frequency, disease prevalence and penetrance estimates, and inheritance mode, an automated score was calculated to assess if this variant is too frequent to cause the disease. Based on the score and internal cut-off values, a variant classified as benign is not then subjected to further curation. The score for this variant resulted in a classification of benign for this disease.

Dr. Peter K. Rogan Lab, Western University
No classification provided (evidence only). Condition: Thymoma. Review status: no classification provided. Collection method: in vitro. Allele origin: not applicable. Functional consequence: retained intron. Not counted in ClinVar's aggregate classification.